The following is an entry in ClinVar:

ClinVar aggregate classification (germline): Likely benign. Review status: criteria provided, multiple submitters, no conflicts (2 of 4 stars). 5 submissions from 5 submitters: Likely benign (3). 2 of the submissions do not count toward it. Last evaluated 2026-01-18.

Conditions:
WDR19-related disorder. Also called: WDR19-related disorders; WDR19-related condition. Identifiers: MedGen CN380161.
Asphyxiating thoracic dystrophy 5 (SRTD5). Also called: SHORT-RIB THORACIC DYSPLASIA 5 WITH OR WITHOUT POLYDACTYLY; SHORT-RIB THORACIC DYSPLASIA 5 WITHOUT POLYDACTYLY. Identifiers: Orphanet 474, MedGen C3280598, MONDO:0013717, OMIM 614376.
Senior-Loken syndrome 8 (SLSN8). Identifiers: Orphanet 3156, MedGen C4225376, MONDO:0014579, OMIM 616307.

Allele frequency attached by ClinVar (database versions not stated): ESP Exome Variant Server 0.00008; gnomAD 0.00010 and 0.00011; TOPMed 0.00011; 1000 Genomes Project 0.00020; gnomAD exomes 0.00020 and 0.00028; 1000 Genomes Project 30x 0.00031; ExAC 0.00039.
gnomAD v4.1: 308 of 1,614,002 alleles (0.019%); highest among the groups gnomAD compares: Non-Finnish European, 0.024%; no homozygotes.

Submissions (5):

Labcorp Genetics (formerly Invitae), Labcorp
Classification: Likely benign for Senior-Loken syndrome 8; Asphyxiating thoracic dystrophy 5. Last evaluated: 2026-01-18. Review status: criteria provided, single submitter. Criteria: Invitae Variant Classification Sherloc (09022015). Collection method: clinical testing. Allele origin: germline.

PreventionGenetics, part of Exact Sciences
Classification: Likely benign for WDR19-related condition. Last evaluated: 2025-07-30. Review status: criteria provided, single submitter. Criteria: ACMG Guidelines, 2015. Collection method: clinical testing. Allele origin: germline.
Comment: This variant is classified as likely benign based on ACMG/AMP sequence variant interpretation guidelines (Richards et al. 2015 PMID: 25741868, with internal and published modifications).

Blueprint Genetics
Classification: Likely benign. Last evaluated: 2024-03-12. Review status: criteria provided, single submitter. Criteria: ACMG Guidelines, 2015. Collection method: clinical testing. Allele origin: germline.

Diagnostic Laboratory, Department of Genetics, University Medical Center Groningen
Classification: Likely benign. Review status: no assertion criteria provided. Collection method: clinical testing. Allele origin: germline. Affected: yes. Study: VKGL Data-share Consensus. Not counted in ClinVar's aggregate classification.

Genome Diagnostics Laboratory, University Medical Center Utrecht
Classification: Likely benign. Review status: no assertion criteria provided. Collection method: clinical testing. Allele origin: germline. Affected: yes. Study: VKGL Data-share Consensus. Not counted in ClinVar's aggregate classification.

NM_025132.4(WDR19):c.3615C>T (p.Gly1205=)

Gene: WDR19 (WD repeat domain 19; plus strand). Cytogenetic location: 4p14.
Variant type: single nucleotide variant.
Coding change: c.3615C>T on transcript NM_025132.4 (MANE Select); coding-DNA position 3615, C replaced by T.
Protein change: p.Gly1205=; no amino-acid change (glycine 1205 retained).
Molecular consequence: synonymous variant.
Genome position (GRCh38, 1-based): chr4:39,274,857, C>T. VCF-style: chr4-39274857-C-T. GRCh37 (hg19) VCF-style: chr4-39276477-C-T.
Other names: c.3135C>T, p.Gly1045= (NM_001317924.2); c.3615C>T (NM_025132.3).
Identifiers: ClinVar variation 1083473 (VCV001083473.12), dbSNP rs202102903, ClinGen allele CA2892434.